The following is an entry in ClinVar:

ClinVar aggregate classification (germline): Likely pathogenic. Review status: reviewed by expert panel (3 of 4 stars). 3 submissions from 3 submitters: Likely pathogenic (1). 2 of the submissions do not count toward it. Last evaluated 2025-09-04.

Conditions:
Bernard Soulier syndrome (BSS). Also called: GLYCOPROTEIN Ib, PLATELET, DEFICIENCY OF; VON WILLEBRAND FACTOR RECEPTOR DEFICIENCY; Platelet Glycoprotein 1b, Deficiency of; BLEEDING DISORDER, PLATELET-TYPE, 1; Giant platelet syndrome; Hemorrhagiparous thrombocytic dystrophy. Identifiers: Orphanet 274, MedGen C0005129, MeSH D001606, MONDO:0009276, OMIM 231200.
Bernard-Soulier syndrome type C. Identifiers: MedGen C1856448.

Allele frequency attached by ClinVar (database versions not stated): TOPMed 0.00001.

Submissions (3):

ClinGen Platelet Disorders Variant Curation Expert Panel, ClinGen
Classification: Likely pathogenic for Bernard Soulier syndrome. Last evaluated: 2025-09-04. Review status: reviewed by expert panel. Criteria: ClinGen Platelet ACMG Specifications GP9 V1.0.0. Collection method: curation. Allele origin: germline. Inheritance: Autosomal recessive inheritance.
Comment: The c.20T>C variant in GP9 is a missense variant predicted to cause substitution of Leucine by Proline at amino acid 7 (p.Leu7Pro). At least one patient (Patient 1 in PMID: 12100158) with this variant had aggregation absent for ristocetin and present for all other agonists and less than 10% expression of GPIba, GP1bb and GP9 measured by flow cytometry, which is highly specific for Bernard-Soulier syndrome. Additionally, the patient had excessive mucocutaneous bleeding and macrothrombocytopenia which are consistent with Bernard-Soulier syndrome. Functional evidence meeting PS3_supporting is accepted in lieu of del/dup analysis, as it addresses concerns about misattribution of phenotypic effects to the variant due to an undetected CNV(PP4_Moderate). Surface expression of GP1a, GP1b, and GP9 measured by flow cytometry in CHO cells transiently co-transfected with c.20T>C (p.Leu7Pro) variant GP9 and wild type GP1a and GP1b showed absent expression, indicating that this variant impacts protein function (PMID: 12100158)(PS3_supporting). The computational predictor REVEL gives a score of 0.731, which is above the ClinGen PD VCEP threshold of >0.644 and predicts a damaging effect on GP9 function (PP3). This variant is absent from gnomAD v4.1.0 (PM2_Supporting). In summary, this variant meets the criteria to be classified as Likely Pathogenic for autosomal recessive Bernard-Soulier syndrome based on the ACMG/AMP criteria applied, as specified by the ClinGen PD VCEP: PP4_Moderate, PM3_Supporting, PS3_Supporting, PP3 and PM2_Supporting (VCEP specifications version 2; date of approval 09/04/2025).

Labcorp Genetics (formerly Invitae), Labcorp
Classification: Uncertain significance. Last evaluated: 2023-11-19. Review status: criteria provided, single submitter. Criteria: Invitae Variant Classification Sherloc (09022015). Collection method: clinical testing. Allele origin: germline. Not counted in ClinVar's aggregate classification.
Comment: This sequence change replaces leucine, which is neutral and non-polar, with proline, which is neutral and non-polar, at codon 7 of the GP9 protein (p.Leu7Pro). This variant is not present in population databases (gnomAD no frequency). This missense change has been observed in individual(s) with Bernard-Soulier syndrome (PMID: 12100158). ClinVar contains an entry for this variant (Variation ID: 13534). An algorithm developed to predict the effect of missense changes on protein structure and function (PolyPhen-2) suggests that this variant¬¨‚Ä†is likely to be tolerated. Experimental studies have shown that this missense change affects GP9 function (PMID: 12100158). In summary, the available evidence is currently insufficient to determine the role of this variant in disease. Therefore, it has been classified as a Variant of Uncertain Significance.

OMIM
Classification: Pathogenic for BERNARD-SOULIER SYNDROME, TYPE C. Last evaluated: 2002-07-01. Review status: no assertion criteria provided. Collection method: literature only. Allele origin: germline. Not counted in ClinVar's aggregate classification.

Literature cited by the submitters: PubMed 12100158 (cited by Labcorp Genetics (formerly Invitae), Labcorp and OMIM); PubMed 13442197 (cited by OMIM).

NM_000174.5(GP9):c.20T>C (p.Leu7Pro)

Gene: GP9 (glycoprotein IX platelet; plus strand). Cytogenetic location: 3q21.3.
Variant type: single nucleotide variant.
Coding change: c.20T>C on transcript NM_000174.5 (MANE Select); coding-DNA position 20, T replaced by C.
Protein change: p.Leu7Pro; replaces leucine 7 with proline.
Molecular consequence: missense variant.
Genome position (GRCh38, 1-based): chr3:129,061,759, T>C. VCF-style: chr3-129061759-T-C. GRCh37 (hg19) VCF-style: chr3-128780602-T-C.
Other names: NM_000174.5(GP9):c.20T>C; short protein forms L7P.
Identifiers: ClinVar variation 13534 (VCV000013534.3), dbSNP rs121918038, ClinGen allele CA123183.
Genomic context (GRCh38, chr3:129,061,759, plus strand): 5'-GCCCTCCCTCACAGCCCCTCTCTCTGCAGCCAGCCTGTCCCATGCCTGCCTGGGGAGCCC[T>C]GTTCCTGCTCTGGGCCACAGCAGAGGCCACCAAGGACTGCCCCAGCCCATGTACCTGCCG-3'
Protein context (NP_000165.1, residues 1-17): MPAWGA[Leu7Pro]FLLWATAEAT